The following is an entry in ClinVar:

NM_014049.5(ACAD9):c.809-10T>C

Gene: ACAD9 (acyl-CoA dehydrogenase family member 9; plus strand). Cytogenetic location: 3q21.3.
Variant type: single nucleotide variant.
Coding change: c.809-10T>C on transcript NM_014049.5 (MANE Select); 10 bases into the intron before coding-DNA position 809, T replaced by C.
Molecular consequence: intron variant.
Genome position (GRCh38, 1-based): chr3:128,901,266, T>C. VCF-style: chr3-128901266-T-C. GRCh37 (hg19) VCF-style: chr3-128620109-T-C.
Identifiers: ClinVar variation 513501 (VCV000513501.3), dbSNP rs1553731310, ClinGen allele CA658796370.

ClinVar aggregate classification (germline): Likely benign. Review status: criteria provided, multiple submitters, no conflicts (2 of 4 stars). 2 submissions from 2 submitters: Likely benign (2). Last evaluated 2024-10-23.

Allele frequency attached by ClinVar (database versions not stated): gnomAD exomes below 0.00001.
gnomAD v4.1: 2 of 1,613,780 alleles (0.00012%); highest among the groups gnomAD compares: East Asian, 0.0022%; no homozygotes.

Submissions (2):

Labcorp Genetics (formerly Invitae), Labcorp
Classification: Likely benign. Last evaluated: 2024-10-23. Review status: criteria provided, single submitter. Criteria: Invitae Variant Classification Sherloc (09022015). Collection method: clinical testing. Allele origin: germline.

GeneDx
Classification: Likely benign. Last evaluated: 2017-12-06. Review status: criteria provided, single submitter. Criteria: GeneDx Variant Classification (06012015). Collection method: clinical testing. Allele origin: germline. Affected: yes.
Comment: This variant is considered likely benign or benign based on one or more of the following criteria: it is a conservative change, it occurs at a poorly conserved position in the protein, it is predicted to be benign by multiple in silico algorithms, and/or has population frequency not consistent with disease.